The following is an entry in ClinVar:

NM_001042492.3(NF1):c.2673_2674insT (p.Ser892Ter)

Gene: NF1 (neurofibromin 1; plus strand). Cytogenetic location: 17q11.2.
Variant type: Insertion.
Coding change: c.2673_2674insT on transcript NM_001042492.3 (MANE Select); coding-DNA positions 2673 to 2674, T inserted.
Protein change: p.Ser892Ter; replaces serine 892 with a stop codon.
Molecular consequence: nonsense. On other transcripts: frameshift variant (1).
Genome position: GRCh38 VCF-style: chr17-31229288-C-CT. GRCh37 (hg19) VCF-style: chr17-29556306-C-CT.
Other names: c.2673_2674insT, p.Ser892Terfs (NM_000267.4); short protein forms S892*.
Identifiers: ClinVar variation 2094130 (VCV002094130.4), dbSNP rs2508186664, ClinGen allele CA2580093341.

ClinVar aggregate classification (germline): Pathogenic (1 of 4 stars; one submission).

Conditions:
Neurofibromatosis, type 1 (NF1). Also called: NEUROFIBROMATOSIS, TYPE I, SOMATIC; Neurofibromatosis, type I; Peripheral type neurofibromatosis; VON RECKLINGHAUSEN DISEASE. Identifiers: Orphanet 636, MedGen C0027831, MONDO:0018975, OMIM 162200. Disease mechanism: loss of function.

Submission:

Labcorp Genetics (formerly Invitae), Labcorp
Classification: Pathogenic for Neurofibromatosis, type 1. Last evaluated: 2022-02-06. Review status: criteria provided, single submitter. Criteria: Invitae Variant Classification Sherloc (09022015). Collection method: clinical testing. Allele origin: germline.
Comment: This sequence change creates a premature translational stop signal (p.Ser892*) in the NF1 gene. It is expected to result in an absent or disrupted protein product. Loss-of-function variants in NF1 are known to be pathogenic (PMID: 10712197, 23913538). For these reasons, this variant has been classified as Pathogenic. This variant has not been reported in the literature in individuals affected with NF1-related conditions. This variant is not present in population databases (gnomAD no frequency).

Literature cited by the submitters: PubMed 10712197; PubMed 23913538.